The following is an entry in ClinVar:

ClinVar aggregate classification (germline): Pathogenic. Review status: criteria provided, multiple submitters, no conflicts (2 of 4 stars). 3 submissions from 3 submitters: Pathogenic (2). 1 of the submissions does not count toward it. Last evaluated 2021-04-16.

Conditions:
Inborn genetic diseases. Identifiers: MedGen C0950123, MeSH D030342.
Ulnar-mammary syndrome (UMS). Also called: SCHINZEL SYNDROME; PALLISTER ULNAR-MAMMARY SYNDROME; Ulnar-mammary syndrome of Pallister. Identifiers: Orphanet 3138, MedGen C1866994, MONDO:0008411, OMIM 181450.

Submissions (3):

Institute of Human Genetics, Clinical Exome/Genome Diagnostics Group, University Hospital Bonn
Classification: Pathogenic for Ulnar-mammary syndrome. Last evaluated: 2021-04-16. Review status: criteria provided, single submitter. Criteria: ACMG Guidelines, 2015. Collection method: clinical testing. Allele origin: germline. Affected: yes.
Comment: PVS1, PS4_moderate, PM2

Ambry Genetics
Classification: Pathogenic for Inborn genetic diseases. Last evaluated: 2020-02-21. Review status: criteria provided, single submitter. Criteria: Ambry Variant Classification Scheme 2023. Collection method: clinical testing. Allele origin: germline.
Comment: The alteration results in a premature stop codon: _x000D_ _x000D_ The c.1423C>T (p.Q475*) alteration, located in coding exon 6 of the TBX3 gene, consists of a C to T substitution at nucleotide position 1423. This changes the amino acid from a glutamine (Q) to a stop codon at amino acid position 475. This alteration is expected to result in loss of function by premature protein truncation or nonsense-mediated mRNA decay. The alteration is not observed in population databases: _x000D_ _x000D_ Based on data from the Genome Aggregation Database (gnomAD), the TBX3 c.1423C>T alteration was not observed, with coverage at this position. The alteration has been observed in affected individuals:_x000D_ _x000D_ This alteration has been reported in one family with UMS and variable severity. Twin I had additional findings including bifid uvula, left simple ear, hypertelorism, up-slanting palpebral fissures, hypoplastic and underpigmented nipples, and a bifid scrotum. The father was more mildly affected with digital anomalies (Tanteles, 2017). Based on the available evidence, this alteration is classified as pathogenic.

OMIM
Classification: Pathogenic for ULNAR-MAMMARY SYNDROME. Last evaluated: 2017-04-19. Review status: no assertion criteria provided. Collection method: literature only. Allele origin: germline. Not counted in ClinVar's aggregate classification.

Literature cited by the submitters: PubMed 28145909 (cited by Ambry Genetics and OMIM).

NM_005996.4(TBX3):c.1423C>T (p.Gln475Ter)

Gene: TBX3 (T-box transcription factor 3; minus strand). Cytogenetic location: 12q24.21.
Variant type: single nucleotide variant.
Coding change: c.1423C>T on transcript NM_005996.4 (MANE Select); coding-DNA position 1423, C replaced by T.
Protein change: p.Gln475Ter; replaces glutamine 475 with a stop codon.
Molecular consequence: nonsense.
Genome position (GRCh38, 1-based): chr12:114,674,452, G>A on the plus strand (C>T on the coding strand, the complement: TBX3 is on the minus strand). VCF-style: chr12-114674452-G-A. GRCh37 (hg19) VCF-style: chr12-115112257-G-A.
Other names: E475*; c.1483C>T, p.Gln495Ter (NM_016569.4); short protein forms Q475*, Q495*.
Identifiers: ClinVar variation 417720 (VCV000417720.7), dbSNP rs1060505020, ClinGen allele CA16616852.
Genomic context (GRCh38, chr12:114,674,452, plus strand): 5'-CGTTGAAGAACTGTTGGCCCGCCAGGCCCGGGGCGAAGCCGAGGCCAGGCAGGGGGCCCT[G>A]GGCCAGGTGCGCGGCGGCCGCGTCCGTCTGCACCGTGAGCGGCGCGAAGGCCTCCTTGCC-3'